The following is an entry in ClinVar:

ClinVar aggregate classification (germline): Uncertain significance (1 of 4 stars; one submission).

Allele frequency attached by ClinVar (database versions not stated): ExAC 0.00001; TOPMed 0.00001; gnomAD 0.00003; ESP Exome Variant Server 0.00008.
gnomAD v4.1: 4 of 1,614,082 alleles (0.00025%); highest among the groups gnomAD compares: African/African-American, 0.0053%; no homozygotes.

Submissions (3):

Labcorp Genetics (formerly Invitae), Labcorp
Classification: Uncertain significance. Last evaluated: 2022-06-14. Review status: criteria provided, single submitter. Criteria: Invitae Variant Classification Sherloc (09022015). Collection method: clinical testing. Allele origin: germline.
Comment: This sequence change falls in intron 1 of the FLAD1 gene. It does not directly change the encoded amino acid sequence of the FLAD1 protein. It affects a nucleotide within the consensus splice site. This variant is present in population databases (rs375023842, gnomAD 0.008%). This variant has not been reported in the literature in individuals affected with FLAD1-related conditions. Variants that disrupt the consensus splice site are a relatively common cause of aberrant splicing (PMID: 17576681, 9536098). Algorithms developed to predict the effect of sequence changes on RNA splicing suggest that this variant may disrupt the consensus splice site. In summary, the available evidence is currently insufficient to determine the role of this variant in disease. Therefore, it has been classified as a Variant of Uncertain Significance.

Dr. Peter K. Rogan Lab, Western University
No classification provided (evidence only). Condition: Sarcoma. Review status: no classification provided. Collection method: in vitro. Allele origin: not applicable. Functional consequence: retained intron. Not counted in ClinVar's aggregate classification.

Dr. Peter K. Rogan Lab, Western University
No classification provided (evidence only). Condition: Melanoma. Review status: no classification provided. Collection method: in vitro. Allele origin: not applicable. Functional consequence: retained intron. Not counted in ClinVar's aggregate classification.

Literature cited by the submitters: PubMed 17576681 (cited by Labcorp Genetics (formerly Invitae), Labcorp); PubMed 9536098 (cited by Labcorp Genetics (formerly Invitae), Labcorp).

NM_025207.5(FLAD1):c.373-3C>A

Gene: FLAD1 (flavin adenine dinucleotide synthetase 1; plus strand). Cytogenetic location: 1q21.3.
Variant type: single nucleotide variant.
Coding change: c.373-3C>A on transcript NM_025207.5 (MANE Select); 3 bases into the intron before coding-DNA position 373, C replaced by A.
Molecular consequence: intron variant. On other transcripts: missense variant (1).
Genome position (GRCh38, 1-based): chr1:154,988,102, C>A. VCF-style: chr1-154988102-C-A. GRCh37 (hg19) VCF-style: chr1-154960578-C-A.
Other names: c.73C>A, p.Gln25Lys (NM_001184892.2); c.82-3C>A (NM_001184891.2, NM_201398.3); short protein forms Q25K.
Identifiers: ClinVar variation 1916416 (VCV001916416.3), dbSNP rs375023842, ClinGen allele CA1134312.